The following is an entry in ClinVar:

ClinVar aggregate classification (germline): Uncertain significance (1 of 4 stars; one submission).

Conditions:
Hereditary cancer-predisposing syndrome. Also called: Hereditary neoplastic syndrome; Tumor predisposition; Hereditary Cancer Syndrome; Neoplastic Syndromes, Hereditary. Identifiers: Orphanet 140162, MedGen C0027672, MeSH D009386, MONDO:0015356.

Submission:

Ambry Genetics
Classification: Uncertain significance for Hereditary cancer-predisposing syndrome. Last evaluated: 2023-07-05. Review status: criteria provided, single submitter. Criteria: Ambry Variant Classification Scheme 2023. Collection method: clinical testing. Allele origin: germline.
Comment: The p.R755S variant (also known as c.2265G>T), located in coding exon 15 of the APC gene, results from a G to T substitution at nucleotide position 2265. The arginine at codon 755 is replaced by serine, an amino acid with dissimilar properties. This amino acid position is conserved. In addition, in silico predictors for this gene do not accurately predict pathogenicity. Since supporting evidence is limited at this time, the clinical significance of this alteration remains unclear.

NM_000038.6(APC):c.2265G>T (p.Arg755Ser)

Gene: APC (APC regulator of Wnt signaling pathway; plus strand). Cytogenetic location: 5q22.2.
Variant type: single nucleotide variant.
Coding change: c.2265G>T on transcript NM_000038.6 (MANE Select); coding-DNA position 2265, G replaced by T.
Protein change: p.Arg755Ser; replaces arginine 755 with serine.
Molecular consequence: missense variant. On other transcripts: non-coding transcript variant (2).
Genome position (GRCh38, 1-based): chr5:112,837,859, G>T. VCF-style: chr5-112837859-G-T. GRCh37 (hg19) VCF-style: chr5-112173556-G-T.
Other names: c.2265G>T, p.Arg755Ser (NM_001127510.3, NM_001354895.2, NM_001407450.1); c.2211G>T, p.Arg737Ser (NM_001127511.3); c.2319G>T, p.Arg773Ser (NM_001354896.2, NM_001407447.1, NM_001407448.1 and 1 more transcripts); c.2295G>T, p.Arg765Ser (NM_001354897.2); c.2190G>T, p.Arg730Ser (NM_001354898.2); c.2181G>T, p.Arg727Ser (NM_001354899.2); c.2142G>T, p.Arg714Ser (NM_001354900.2); c.2088G>T, p.Arg696Ser (NM_001354901.2, NM_001407453.1); and 11 more; short protein forms R595S, R696S, R714S, R737S, R745S, R765S, R783S, R730S.
Identifiers: ClinVar variation 2587000 (VCV002587000.2), dbSNP rs2149864912, ClinGen allele CA16026290.